The following is an entry in ClinVar:

ClinVar aggregate classification (germline): Uncertain significance (1 of 4 stars; one submission).

Submission:

GeneDx
Classification: Uncertain significance. Last evaluated: 2023-02-06. Review status: criteria provided, single submitter. Criteria: GeneDx Variant Classification Process June 2021. Collection method: clinical testing. Allele origin: germline. Affected: yes.
Comment: Not observed at significant frequency in large population cohorts (gnomAD); In silico analysis supports that this missense variant does not alter protein structure/function; Has not been previously published as pathogenic or benign to our knowledge

NM_024665.7(TBL1XR1):c.1276T>A (p.Leu426Ile)

Gene: TBL1XR1 (TBL1X/Y related 1; minus strand). Cytogenetic location: 3q26.32.
Variant type: single nucleotide variant.
Coding change: c.1276T>A on transcript NM_024665.7 (MANE Select); coding-DNA position 1276, T replaced by A.
Protein change: p.Leu426Ile; replaces leucine 426 with isoleucine.
Molecular consequence: missense variant.
Genome position (GRCh38, 1-based): chr3:177,033,111, A>T on the plus strand (T>A on the coding strand, the complement: TBL1XR1 is on the minus strand). VCF-style: chr3-177033111-A-T. GRCh37 (hg19) VCF-style: chr3-176750899-A-T.
Other names: c.1276T>A, p.Leu426Ile (NM_001321193.3, NM_001321194.3, NM_001374327.1 and 2 more transcripts); c.1015T>A, p.Leu339Ile (NM_001321195.3, NM_001374330.1); short protein forms L339I, L426I.
Identifiers: ClinVar variation 2574732 (VCV002574732.1), dbSNP rs2473594771, ClinGen allele CA355554501.